The following is an entry in ClinVar:

ClinVar aggregate classification (germline): Pathogenic (1 of 4 stars; one submission).

Conditions:
Anemia, nonspherocytic hemolytic, due to G6PD deficiency (CNSHA1). Also called: Hemolytic anemia due to G6PD deficiency; Class I glucose-6-phosphate dehydrogenase deficiency; Favism, susceptibility to; ANEMIA, CONGENITAL, NONSPHEROCYTIC HEMOLYTIC, 1. Identifiers: Orphanet 466026, MedGen C2720289, MONDO:0010480, OMIM 300908.

Submission:

Dunham Lab, University of Washington
Classification: Pathogenic for Anemia, nonspherocytic hemolytic, due to G6PD deficiency. Last evaluated: 2022-08-12. Review status: criteria provided, single submitter. Criteria: Bayesian ACMG Guidelines, 2018. Collection method: curation. Allele origin: inherited. Affected: yes.
Comment: Variant found in unrelated hemizygotes with deficiency and CNSHA (PS4_M, PP4). In one family, variant segregates with deficiency across multiple generations (PP1). Decreased activity in red blood cells (6-40%) (PS3). Within dimer interface (PM1). Not found in gnomAD (PM2). Post_P 0.999 (odds of pathogenicity 6568, Prior_P 0.1).

Literature cited by the submitters: PubMed 11271380; PubMed 22963789; PubMed 31294066.

NM_001360016.2(G6PD):c.1220A>C (p.Lys407Thr)

Gene: G6PD (glucose-6-phosphate dehydrogenase; minus strand). Cytogenetic location: Xq28.
Variant type: single nucleotide variant.
Coding change: c.1220A>C on transcript NM_001360016.2 (MANE Select); coding-DNA position 1220, A replaced by C.
Protein change: p.Lys407Thr; replaces lysine 407 with threonine.
Molecular consequence: missense variant.
Genome position (GRCh38, 1-based): chrX:154,532,634, T>G on the plus strand (A>C on the coding strand, the complement: G6PD is on the minus strand). VCF-style: chrX-154532634-T-G. GRCh37 (hg19) VCF-style: chrX-153760849-T-G.
Other names: G6PD Abeno; c.1310A>C, p.Lys437Thr (NM_000402.4); c.1220A>C, p.Lys407Thr (NM_001042351.3); short protein forms K407T, K437T.
Identifiers: ClinVar variation 1722677 (VCV001722677.2), dbSNP rs2523262550, ClinGen allele CA415233955.